The following is an entry in ClinVar:

NM_001085411.3(NADK2):c.130_136dup (p.His46fs)

Genes: NADK2 (NAD kinase 2, mitochondrial; minus strand), LOC129993801 (ATAC-STARR-seq lymphoblastoid silent region 15972; plus strand). Cytogenetic location: 5p13.2.
Variant type: Duplication.
Coding change: c.130_136dup on transcript NM_001085411.3 (MANE Select); coding-DNA positions 130 to 136, 7 bases duplicated (CGGCGGC; older notation c.130_136dupCGGCGGC).
Protein change: p.His46fs; shifts the reading frame from histidine 46.
Molecular consequence: frameshift variant. On other transcripts: intron variant (2).
Genome position (GRCh38, 1-based): chr5:36,241,663-36,241,669, GCCGCCG duplicated on the plus strand (CGGCGGC on the coding strand, the reverse complement: NADK2 is on the minus strand); duplicating any 7 consecutive bases within chr5:36,241,663-36,241,675 gives the same sequence; the c. name uses the placement nearest the transcript's 3' end. VCF-style (leftmost placement, unchanged base first): chr5-36241662-T-TGCCGCCG. GRCh37 (hg19) VCF-style: chr5-36241764-T-TGCCGCCG.
Other names: c.-190+427_-190+433dup (NM_153013.5, NM_001287341.2); short protein forms H46fs.
Identifiers: ClinVar variation 1395871 (VCV001395871.3), dbSNP rs1748132773, ClinGen allele CA1075045434.

ClinVar aggregate classification (germline): Uncertain significance (1 of 4 stars; one submission).

Conditions:
Progressive encephalopathy with leukodystrophy due to DECR deficiency. Identifiers: Orphanet 431361, MedGen C1857252, MONDO:0014464, OMIM 616034.

Submission:

Labcorp Genetics (formerly Invitae), Labcorp
Classification: Uncertain significance for Progressive encephalopathy with leukodystrophy due to DECR deficiency. Last evaluated: 2021-08-22. Review status: criteria provided, single submitter. Criteria: Invitae Variant Classification Sherloc (09022015). Collection method: clinical testing. Allele origin: germline.
Comment: This sequence change creates a premature translational stop signal (p.His46Profs*64) in the NADK2 gene. It is expected to result in an absent or disrupted protein product. However, the current clinical and genetic evidence is not sufficient to establish whether loss-of-function variants in NADK2 cause disease. The frequency data for this variant in the population databases is considered unreliable, as metrics indicate insufficient coverage at this position in the ExAC database. This variant has not been reported in the literature in individuals affected with NADK2-related conditions. In summary, the available evidence is currently insufficient to determine the role of this variant in disease. Therefore, it has been classified as a Variant of Uncertain Significance.